The following is an entry in ClinVar:

NM_004281.4(BAG3):c.704C>T (p.Ala235Val)

Gene: BAG3 (BAG cochaperone 3; plus strand). Cytogenetic location: 10q26.11.
Variant type: single nucleotide variant.
Coding change: c.704C>T on transcript NM_004281.4 (MANE Select); coding-DNA position 704, C replaced by T.
Protein change: p.Ala235Val; replaces alanine 235 with valine.
Molecular consequence: missense variant.
Genome position (GRCh38, 1-based): chr10:119,672,451, C>T. VCF-style: chr10-119672451-C-T. GRCh37 (hg19) VCF-style: chr10-121431963-C-T.
Other names: short protein forms A235V.
Identifiers: ClinVar variation 1349860 (VCV001349860.7), dbSNP rs371731106, ClinGen allele CA5716398.
Genomic context (GRCh38, chr10:119,672,451, plus strand): 5'-ACGTTACCCGGCCAGCAGCCCAGCCCTCCTTCCACCAAGCCCAGAAGACGCACTACCCAG[C>T]GCAGCAGGGGGAGTACCAGACCCACCAGCCTGTGTACCACAAGATCCAGGGGGATGACTG-3'
Protein context (NP_004272.2, residues 225-245): FHQAQKTHYP[Ala235Val]QQGEYQTHQP

ClinVar aggregate classification (germline): Uncertain significance. Review status: criteria provided, multiple submitters, no conflicts (2 of 4 stars). 2 submissions from 2 submitters: Uncertain significance (2). Last evaluated 2026-01-11.

Conditions:
Dilated cardiomyopathy 1HH (CMD1HH). Identifiers: Orphanet 154, MedGen C3151293, MONDO:0013479, OMIM 613881.
Myofibrillar myopathy 6. Identifiers: Orphanet 199340, MedGen C2751831, MONDO:0013061, OMIM 612954.

Allele frequency attached by ClinVar (database versions not stated): gnomAD exomes below 0.00001 and 0.00001; TOPMed below 0.00001; ExAC 0.00001; gnomAD 0.00001; ESP Exome Variant Server 0.00008.
gnomAD v4.1: 10 of 1,614,098 alleles (0.00062%); highest among the groups gnomAD compares: South Asian, 0.0022%; no homozygotes.

Submissions (2):

Labcorp Genetics (formerly Invitae), Labcorp
Classification: Uncertain significance for Dilated cardiomyopathy 1HH; Myofibrillar myopathy 6. Last evaluated: 2026-01-11. Review status: criteria provided, single submitter. Criteria: Invitae Variant Classification Sherloc (09022015). Collection method: clinical testing. Allele origin: germline.
Comment: This sequence change replaces alanine, which is neutral and non-polar, with valine, which is neutral and non-polar, at codon 235 of the BAG3 protein (p.Ala235Val). This variant is present in population databases (rs371731106, gnomAD 0.003%). This variant has not been reported in the literature in individuals affected with BAG3-related conditions. ClinVar contains an entry for this variant (Variation ID: 1349860). Invitae Evidence Modeling of protein sequence and biophysical properties (such as structural, functional, and spatial information, amino acid conservation, physicochemical variation, residue mobility, and thermodynamic stability) indicates that this missense variant is expected to disrupt BAG3 protein function with a positive predictive value of 80%. In summary, the available evidence is currently insufficient to determine the role of this variant in disease. Therefore, it has been classified as a Variant of Uncertain Significance.

Women's Health and Genetics/Laboratory Corporation of America, LabCorp
Classification: Uncertain significance. Last evaluated: 2024-06-17. Review status: criteria provided, single submitter. Criteria: LabCorp Variant Classification Summary - May 2015. Collection method: clinical testing. Allele origin: germline.